The following is an entry in ClinVar:

ClinVar aggregate classification (germline): Uncertain significance (1 of 4 stars; one submission).

Submission:

GeneDx
Classification: Uncertain significance. Last evaluated: 2020-01-06. Review status: criteria provided, single submitter. Criteria: GeneDx Variant Classification Process June 2021. Collection method: clinical testing. Allele origin: germline. Affected: yes.
Comment: Not observed in large population cohorts (Lek et al., 2016); In silico analysis, which includes protein predictors and evolutionary conservation, supports a deleterious effect; Has not been previously published as pathogenic or benign to our knowledge

NM_005378.6(MYCN):c.1268T>C (p.Leu423Ser)

Gene: MYCN (MYCN proto-oncogene, bHLH transcription factor; plus strand). Cytogenetic location: 2p24.3.
Variant type: single nucleotide variant.
Coding change: c.1268T>C on transcript NM_005378.6 (MANE Select); coding-DNA position 1268, T replaced by C.
Protein change: p.Leu423Ser; replaces leucine 423 with serine.
Molecular consequence: missense variant. On other transcripts: 3 prime UTR variant (1).
Genome position (GRCh38, 1-based): chr2:15,945,970, T>C. VCF-style: chr2-15945970-T-C. GRCh37 (hg19) VCF-style: chr2-16086092-T-C.
Other names: c.1268T>C, p.Leu423Ser (NM_001293228.2); c.635T>C, p.Leu212Ser (NM_001293231.2); c.*1203T>C (NM_001293233.2); short protein forms L212S, L423S.
Identifiers: ClinVar variation 1302690 (VCV001302690.2), dbSNP rs2103331816, ClinGen allele CA345932638.